The following is an entry in ClinVar:

NM_002880.4(RAF1):c.679A>G (p.Ser227Gly)

Gene: RAF1 (Raf-1 proto-oncogene, serine/threonine kinase; minus strand). Cytogenetic location: 3p25.2.
Variant type: single nucleotide variant.
Coding change: c.679A>G on transcript NM_002880.4 (MANE Select); coding-DNA position 679, A replaced by G.
Protein change: p.Ser227Gly; replaces serine 227 with glycine.
Molecular consequence: missense variant. On other transcripts: non-coding transcript variant (3), intron variant (2).
Genome position (GRCh38, 1-based): chr3:12,606,202, T>C on the plus strand (A>G on the coding strand, the complement: RAF1 is on the minus strand). VCF-style: chr3-12606202-T-C. GRCh37 (hg19) VCF-style: chr3-12647701-T-C.
Other names: p.S227G:AGT>GGT; c.679A>G, p.Ser227Gly (NM_001354689.3, NM_001354690.3); c.436A>G, p.Ser146Gly (NM_001354691.3, NM_001354692.3, NM_001354694.3); c.339-1913A>G (NM_001354695.3); c.582-1913A>G (NM_001354693.3); short protein forms S227G, S146G.
Identifiers: ClinVar variation 40598 (VCV000040598.4), dbSNP rs730881001, ClinGen allele CA297112.
Genomic context (GRCh38, chr3:12,606,202, plus strand): 5'-CTTCCAACCCCACCACCCCAAATAACTTTCTAAAAGAAAAGCTATAGGTAAAAAATTACC[T>C]AACAGGCATCCTGGAAACAGACTCTCGCATACGACGCATAGTCAAAGAAGGTAGTGCTGG-3'
Protein context (NP_002871.1, residues 217-237): MRESVSRMPV[Ser227Gly]SQHRYSTPHA

ClinVar aggregate classification (germline): Uncertain significance. Review status: criteria provided, multiple submitters, no conflicts (2 of 4 stars). 3 submissions from 3 submitters: Uncertain significance (3). Last evaluated 2026-06-04.

Conditions:
Cardiovascular phenotype. Identifiers: MedGen CN230736.

Allele frequency attached by ClinVar (database versions not stated): TOPMed below 0.00001; gnomAD exomes below 0.00001; gnomAD 0.00001.
gnomAD v4.1: 5 of 1,612,264 alleles (0.00031%); highest among the groups gnomAD compares: Non-Finnish European, 0.00042%; no homozygotes.

Submissions (3):

Women's Health and Genetics/Laboratory Corporation of America, LabCorp
Classification: Uncertain significance. Last evaluated: 2026-06-04. Review status: criteria provided, single submitter. Criteria: LabCorp Variant Classification Summary - May 2015. Collection method: clinical testing. Allele origin: germline.
Comment: Variant summary: RAF1 c.679A>G (p.Ser227Gly) results in a non-conservative amino acid change in the encoded protein sequence. Algorithms developed to predict the effect of missense changes on protein structure and function are either unavailable or do not agree on the potential impact of this missense change. Several computational tools predict a significant impact on normal splicing: Three predict the variant weakens a 5' donor site. However, these predictions have yet to be confirmed by functional studies. The variant allele was found at a frequency of 4e-06 in 251360 control chromosomes. The available data on variant occurrences in the general population are insufficient to allow any conclusion about variant significance. To our knowledge, no occurrence of c.679A>G in individuals affected with RAF1-related conditions and no experimental evidence demonstrating its impact on protein function have been reported. ClinVar contains an entry for this variant (Variation ID: 40598). Based on the evidence outlined above, the variant was classified as uncertain significance.

Ambry Genetics
Classification: Uncertain significance for Cardiovascular phenotype. Last evaluated: 2024-05-02. Review status: criteria provided, single submitter. Criteria: Ambry Variant Classification Scheme 2023. Collection method: clinical testing. Allele origin: germline.

GeneDx
Classification: Uncertain significance. Last evaluated: 2013-02-05. Review status: criteria provided, single submitter. Criteria: GeneDx Variant Classification (06012015). Collection method: clinical testing. Allele origin: germline. Affected: yes.
Comment: p.Ser227Gly (AGT>GGT): c.679 A>G in exon 6 of the RAF1 gene (NM_002880.3)The S227G missense change in the RAF1 gene has not been reported as a disease-causing mutation or as a benign polymorphism to our knowledge. The S227G amino acid substitution is non-conservative with a polar residue (Ser) being replaced by a non-polar residue (Gly). The residue at which this substitution is moderately conserved in the protein. The NHLBI ESP Exome Variant Server reports that S227G was not observed in approximately 6,500 samples from individuals of European and African American backgrounds, indicating it is not a common benign variant in these populations. The variant is found in NOONAN panel(s).